The following is an entry in ClinVar:

NM_015570.4(AUTS2):c.3497_3498inv (p.Arg1166Pro)

Gene: AUTS2 (activator of transcription and developmental regulator AUTS2; plus strand). Cytogenetic location: 7q11.22.
Variant type: Inversion.
Coding change: c.3497_3498inv on transcript NM_015570.4 (MANE Select).
Protein change: p.Arg1166Pro; replaces arginine 1166 with proline.
Molecular consequence: missense variant.
Genome position: GRCh38 VCF-style: chr7-70790713-GG-CC. GRCh37 (hg19) VCF-style: chr7-70255699-GG-CC.
Other names: c.3425_3426inv, p.Arg1142Pro (NM_001127231.3); short protein forms R1142P, R1166P.
Identifiers: ClinVar variation 3381317 (VCV003381317.1).

ClinVar aggregate classification (germline): Uncertain significance (1 of 4 stars; one submission).

Submission:

GeneDx
Classification: Uncertain significance. Last evaluated: 2024-05-22. Review status: criteria provided, single submitter. Criteria: GeneDx Variant Classification Process June 2021. Collection method: clinical testing. Allele origin: germline. Affected: yes.
Comment: Not observed at significant frequency in large population cohorts (gnomAD); In silico analysis supports a deleterious effect on protein structure/function; Has not been previously published as pathogenic or benign to our knowledge